The following is an entry in ClinVar:

NM_018136.5(ASPM):c.3579T>A (p.Ser1193=)

Gene: ASPM (assembly factor for spindle microtubules; minus strand). Cytogenetic location: 1q31.3.
Variant type: single nucleotide variant.
Coding change: c.3579T>A on transcript NM_018136.5 (MANE Select); coding-DNA position 3579, T replaced by A.
Protein change: p.Ser1193=; no amino-acid change (serine 1193 retained).
Molecular consequence: synonymous variant.
Genome position (GRCh38, 1-based): chr1:197,122,407, A>T on the plus strand (T>A on the coding strand, the complement: ASPM is on the minus strand). VCF-style: chr1-197122407-A-T. GRCh37 (hg19) VCF-style: chr1-197091537-A-T.
Other names: c.3579T>A, p.Ser1193= (NM_001206846.2).
Identifiers: ClinVar variation 21578 (VCV000021578.27), dbSNP rs4915337, ClinGen allele CA171199.

ClinVar aggregate classification (germline): Benign. Review status: criteria provided, multiple submitters, no conflicts (2 of 4 stars). 13 submissions from 13 submitters: Benign (9). 4 of the submissions do not count toward it. Last evaluated 2026-02-04.

Conditions:
Microcephaly 5, primary, autosomal recessive (MCPH5). Also called: ASPM Primary Microcephaly. Identifiers: Orphanet 2512, MedGen C1837501, MONDO:0012106, OMIM 608716.

Allele frequency attached by ClinVar (database versions not stated): ESP Exome Variant Server 0.75473; TOPMed 0.76523; 1000 Genomes Project 30x 0.76968; gnomAD 0.77164 and 0.78235; 1000 Genomes Project 0.78255; ExAC 0.87788; gnomAD exomes 0.88733 and 0.89677.
gnomAD v4.1: 1,429,030 of 1,613,582 alleles (89%); highest among the groups gnomAD compares: East Asian, 100%; 641,187 homozygotes.

Submissions (13):

Labcorp Genetics (formerly Invitae), Labcorp
Classification: Benign. Last evaluated: 2026-02-04. Review status: criteria provided, single submitter. Criteria: Invitae Variant Classification Sherloc (09022015). Collection method: clinical testing. Allele origin: germline.

Blueprint Genetics
Classification: Benign. Last evaluated: 2024-11-26. Review status: criteria provided, single submitter. Criteria: ACMG Guidelines, 2015. Collection method: clinical testing. Allele origin: germline.

Genome-Nilou Lab
Classification: Benign for Microcephaly 5, primary, autosomal recessive. Last evaluated: 2021-07-14. Review status: criteria provided, single submitter. Criteria: ACMG Guidelines, 2015. Collection method: clinical testing. Allele origin: germline. Affected: no.

Illumina Laboratory Services, Illumina
Classification: Benign for Microcephaly 5, primary, autosomal recessive. Last evaluated: 2018-01-13. Review status: criteria provided, single submitter. Criteria: ICSL Variant Classification Criteria 13 December 2019. Collection method: clinical testing. Allele origin: germline.
Comment: This variant was observed in the ICSL laboratory as part of a predisposition screen in an ostensibly healthy population. It had not been previously curated by ICSL or reported in the Human Gene Mutation Database (HGMD: prior to June 1st, 2018), and was therefore a candidate for classification through an automated scoring system. Utilizing variant allele frequency, disease prevalence and penetrance estimates, and inheritance mode, an automated score was calculated to assess if this variant is too frequent to cause the disease. Based on the score and internal cut-off values, a variant classified as benign is not then subjected to further curation. The score for this variant resulted in a classification of benign for this disease.

Athena Diagnostics
Classification: Benign. Last evaluated: 2017-08-02. Review status: criteria provided, single submitter. Criteria: Athena Diagnostics Criteria. Collection method: clinical testing. Allele origin: germline.

Clinical Genetics DNA and cytogenetics Diagnostics Lab, Erasmus MC, Erasmus Medical Center
Classification: Benign for Microcephaly 5, primary, autosomal recessive. Last evaluated: 2017-06-28. Review status: criteria provided, single submitter. Criteria: ACGS Guidelines, 2013. Collection method: clinical testing. Allele origin: germline. Affected: yes. Study: VKGL Data-share Consensus.

GeneDx
Classification: Benign. Last evaluated: 2015-03-03. Review status: criteria provided, single submitter. Criteria: GeneDx Variant Classification Process June 2021. Collection method: clinical testing. Allele origin: germline. Affected: yes.

Breakthrough Genomics
Classification: Benign. Review status: criteria provided, single submitter. Criteria: ACMG Guidelines, 2015. Collection method: not provided. Allele origin: germline. Inheritance: Autosomal recessive inheritance. Affected: yes.

PreventionGenetics, part of Exact Sciences
Classification: Benign. Review status: criteria provided, single submitter. Criteria: ACMG Guidelines, 2015. Collection method: clinical testing. Allele origin: germline.

Diagnostic Laboratory, Department of Genetics, University Medical Center Groningen
Classification: Benign for Microcephaly 5, primary, autosomal recessive. Review status: no assertion criteria provided. Collection method: clinical testing. Allele origin: germline. Affected: yes. Study: VKGL Data-share Consensus. Not counted in ClinVar's aggregate classification.

GeneReviews
No classification provided. Condition: Microcephaly 5, primary, autosomal recessive. Review status: no classification provided. Collection method: literature only. Allele origin: unknown. Not counted in ClinVar's aggregate classification.

Genetic Services Laboratory, University of Chicago
Classification: Likely benign. Review status: no assertion criteria provided. Collection method: clinical testing. Allele origin: germline. Inheritance: Autosomal recessive inheritance. Not counted in ClinVar's aggregate classification.
Comment: Likely benign based on allele frequency in 1000 Genomes Project or ESP global frequency and its presence in a patient with a rare or unrelated disease phenotype. NOT Sanger confirmed

Joint Genome Diagnostic Labs from Nijmegen and Maastricht, Radboudumc and MUMC+
Classification: Benign. Review status: no assertion criteria provided. Collection method: clinical testing. Allele origin: germline. Affected: yes. Study: VKGL Data-share Consensus. Not counted in ClinVar's aggregate classification.

Literature cited by the submitters: PubMed 20301772 (cited by GeneReviews); NCBI Bookshelf NBK9587 (cited by GeneReviews).